The following is an entry in ClinVar:

ClinVar aggregate classification (germline): Uncertain significance. Review status: criteria provided, multiple submitters, no conflicts (2 of 4 stars). 2 submissions from 2 submitters: Uncertain significance (2). Last evaluated 2024-02-02.

Conditions:
Hereditary cancer-predisposing syndrome. Also called: Tumor predisposition; Neoplastic Syndromes, Hereditary; Hereditary Cancer Syndrome; Hereditary neoplastic syndrome. Identifiers: Orphanet 140162, MedGen C0027672, MeSH D009386, MONDO:0015356.
Gorlin syndrome. Also called: Nevoid Basal Cell Carcinoma Syndrome; Basal cell nevus syndrome. Identifiers: Orphanet 377, MedGen C0004779, MONDO:0007187.
Medulloblastoma (MDB). Also called: Medulloblastoma, somatic; MEDULLOBLASTOMA PREDISPOSITION SYNDROME. Identifiers: Orphanet 616, MedGen C0025149, MeSH D008527, MONDO:0007959, OMIM 155255, HP:0002885.

Submissions (2):

Ambry Genetics
Classification: Uncertain significance for Hereditary cancer-predisposing syndrome. Last evaluated: 2024-02-02. Review status: criteria provided, single submitter. Criteria: Ambry Variant Classification Scheme 2023. Collection method: clinical testing. Allele origin: germline.
Comment: The p.K344R variant (also known as c.1031A>G), located in coding exon 9 of the SUFU gene, results from an A to G substitution at nucleotide position 1031. The lysine at codon 344 is replaced by arginine, an amino acid with highly similar properties. This amino acid position is conserved. In addition, the in silico prediction for this alteration is inconclusive. Based on the available evidence, the clinical significance of this alteration remains unclear.

Labcorp Genetics (formerly Invitae), Labcorp
Classification: Uncertain significance for Gorlin syndrome; Medulloblastoma. Last evaluated: 2023-05-02. Review status: criteria provided, single submitter. Criteria: Invitae Variant Classification Sherloc (09022015). Collection method: clinical testing. Allele origin: germline.
Comment: This variant is not present in population databases (gnomAD no frequency). In summary, the available evidence is currently insufficient to determine the role of this variant in disease. Therefore, it has been classified as a Variant of Uncertain Significance. Advanced modeling of protein sequence and biophysical properties (such as structural, functional, and spatial information, amino acid conservation, physicochemical variation, residue mobility, and thermodynamic stability) performed at Invitae indicates that this missense variant is not expected to disrupt SUFU protein function. This variant has not been reported in the literature in individuals affected with SUFU-related conditions. This sequence change replaces lysine, which is basic and polar, with arginine, which is basic and polar, at codon 344 of the SUFU protein (p.Lys344Arg).

NM_016169.4(SUFU):c.1031A>G (p.Lys344Arg)

Gene: SUFU (SUFU negative regulator of hedgehog signaling; plus strand). Cytogenetic location: 10q24.32.
Variant type: single nucleotide variant.
Coding change: c.1031A>G on transcript NM_016169.4 (MANE Select); coding-DNA position 1031, A replaced by G.
Protein change: p.Lys344Arg; replaces lysine 344 with arginine.
Molecular consequence: missense variant.
Genome position (GRCh38, 1-based): chr10:102,615,276, A>G. VCF-style: chr10-102615276-A-G. GRCh37 (hg19) VCF-style: chr10-104375033-A-G.
Other names: c.1031A>G, p.Lys344Arg (NM_001178133.2); short protein forms K344R.
Identifiers: ClinVar variation 2923720 (VCV002923720.4), dbSNP rs2492778301, ClinGen allele CA377913585.